The following is an entry in ClinVar:

NM_004239.4(TRIP11):c.2098A>G (p.Asn700Asp)

Gene: TRIP11 (thyroid hormone receptor interactor 11; minus strand). Cytogenetic location: 14q32.12.
Variant type: single nucleotide variant.
Coding change: c.2098A>G on transcript NM_004239.4 (MANE Select); coding-DNA position 2098, A replaced by G.
Protein change: p.Asn700Asp; replaces asparagine 700 with aspartic acid.
Molecular consequence: missense variant.
Genome position (GRCh38, 1-based): chr14:92,005,878, T>C on the plus strand (A>G on the coding strand, the complement: TRIP11 is on the minus strand). VCF-style: chr14-92005878-T-C. GRCh37 (hg19) VCF-style: chr14-92472222-T-C.
Other names: c.2095A>G, p.Asn699Asp (NM_001321851.1); c.2098A>G (NM_004239.3); short protein forms N699D, N700D.
Identifiers: ClinVar variation 1444455 (VCV001444455.7), dbSNP rs2056895078, ClinGen allele CA390658604.

ClinVar aggregate classification (germline): Uncertain significance. Review status: criteria provided, multiple submitters, no conflicts (2 of 4 stars). 2 submissions from 2 submitters: Uncertain significance (2). Last evaluated 2024-12-15.

Conditions:
Achondrogenesis, type IA (ACG1A). Identifiers: Orphanet 932, Orphanet 93299, MedGen C0265273, MONDO:0008701, OMIM 200600.
Inborn genetic diseases. Identifiers: MedGen C0950123, MeSH D030342.

Allele frequency attached by ClinVar (database versions not stated): gnomAD exomes below 0.00001; TOPMed 0.00001.
gnomAD v4.1: 1 of 1,614,074 alleles (0.000062%); highest among the groups gnomAD compares: African/African-American, 0.0013%; no homozygotes.

Submissions (2):

Ambry Genetics
Classification: Uncertain significance for Inborn genetic diseases. Last evaluated: 2024-12-15. Review status: criteria provided, single submitter. Criteria: Ambry Variant Classification Scheme 2023. Collection method: clinical testing. Allele origin: germline.

Labcorp Genetics (formerly Invitae), Labcorp
Classification: Uncertain significance for Achondrogenesis, type IA. Last evaluated: 2021-03-30. Review status: criteria provided, single submitter. Criteria: Invitae Variant Classification Sherloc (09022015). Collection method: clinical testing. Allele origin: germline.
Comment: In summary, the available evidence is currently insufficient to determine the role of this variant in disease. Therefore, it has been classified as a Variant of Uncertain Significance. Algorithms developed to predict the effect of missense changes on protein structure and function are either unavailable or do not agree on the potential impact of this missense change (SIFT: "Not Available"; PolyPhen-2: "Benign"; Align-GVGD: "Not Available"). This variant has not been reported in the literature in individuals with TRIP11-related conditions. This variant is not present in population databases (ExAC no frequency). This sequence change replaces asparagine with aspartic acid at codon 700 of the TRIP11 protein (p.Asn700Asp). The asparagine residue is weakly conserved and there is a small physicochemical difference between asparagine and aspartic acid.